The following is an entry in ClinVar:

ClinVar aggregate classification (germline): Likely pathogenic (1 of 4 stars; one submission).

Conditions:
Cardiomyopathy, dilated, 2I (CMD2I). Identifiers: MedGen C5830685, MONDO:0957545, OMIM 620462.

Submission:

Victorian Clinical Genetics Services, Murdoch Childrens Research Institute
Classification: Likely pathogenic for Cardiomyopathy, dilated, 2I. Last evaluated: 2026-03-11. Review status: criteria provided, single submitter. Criteria: ACMG Guidelines, 2015. Collection method: clinical testing. Allele origin: germline. Affected: yes.
Comment: This variant is classified as Likely pathogenic. Evidence in support of pathogenic classification: Variant is predicted to cause nonsense-mediated decay (NMD) and loss of protein (premature termination codon is located at least 54 nucleotides upstream of the final exon-exon junction); Variant is absent from gnomAD (v2, v3 and v4); Another NMD-predicted variant comparable to the one identified in this case has limited previous evidence for pathogenicity. p.(Tyr316*) was reported in a homozygous individual with DCM and congestive heart failure, who had two siblings with DCM (PMID: 33083013). Additional information: This variant is homozygous; This gene is associated with autosomal recessive disease; This variant has no previous evidence of pathogenicity; No published evidence of segregation with disease has been identified for this variant; No published functional evidence has been identified for this variant; Loss of function is a known mechanism of disease in this gene and is associated with cardiomyopathy, dilated, 2I (MIM#620462).

Literature cited by the submitters: PubMed 33083013.

NM_006366.3(CAP2):c.870del (p.Ser291fs)

Gene: CAP2 (cyclase associated actin cytoskeleton regulatory protein 2; plus strand). Cytogenetic location: 6p22.3.
Variant type: Deletion.
Coding change: c.870del on transcript NM_006366.3 (MANE Select); coding-DNA position 870, one base deleted (C; older notation c.870delC).
Protein change: p.Ser291fs; shifts the reading frame from serine 291.
Molecular consequence: frameshift variant.
Genome position (GRCh38, 1-based): chr6:17,541,016, C deleted; the last of 3 consecutive C bases (chr6:17,541,014-17,541,016); deleting any one gives the same sequence. VCF-style (leftmost placement, unchanged base first): chr6-17541013-TC-T. GRCh37 (hg19) VCF-style: chr6-17541244-TC-T.
Other names: c.534del, p.Ser179fs (NM_001363533.2); c.792del, p.Ser265fs (NM_001363534.2); short protein forms S179fs, S265fs, S291fs.
Identifiers: ClinVar variation 4845338 (VCV004845338.2).